The following is an entry in ClinVar:

NM_000394.4(CRYAA):c.315C>T (p.Asp105=)

Gene: CRYAA (crystallin alpha A; plus strand). Cytogenetic location: 21q22.3.
Variant type: single nucleotide variant.
Coding change: c.315C>T on transcript NM_000394.4 (MANE Select); coding-DNA position 315, C replaced by T.
Protein change: p.Asp105=; no amino-acid change (aspartic acid 105 retained).
Molecular consequence: synonymous variant.
Genome position (GRCh38, 1-based): chr21:43,172,073, C>T. VCF-style: chr21-43172073-C-T. GRCh37 (hg19) VCF-style: chr21-44592183-C-T.
Other names: c.204C>T, p.Asp68= (NM_001363766.1).
Identifiers: ClinVar variation 3054626 (VCV003054626.2), dbSNP rs374245405, ClinGen allele CA321170939.

ClinVar aggregate classification (germline): Likely benign (0 of 4 stars; one submission).

Conditions:
CRYAA-related disorder. Also called: CRYAA-related condition.

Allele frequency attached by ClinVar (database versions not stated): ExAC 0.00003; ESP Exome Variant Server 0.00023.

Submission:

PreventionGenetics, part of Exact Sciences
Classification: Likely benign for CRYAA-related condition. Last evaluated: 2022-07-20. Review status: no assertion criteria provided. Collection method: clinical testing. Allele origin: germline.
Comment: This variant is classified as likely benign based on ACMG/AMP sequence variant interpretation guidelines (Richards et al. 2015 PMID: 25741868, with internal and published modifications).